The following is an entry in ClinVar:

ClinVar aggregate classification (germline): Uncertain significance (1 of 4 stars; one submission).

Conditions:
Autosomal dominant intellectual disability-craniofacial anomalies-cardiac defects syndrome (ARTHS). Also called: Arboleda-Tham syndrome; Mental retardation, autosomal dominant 32; KAT6A syndrome. Identifiers: Orphanet 457193, MedGen C4225396, MONDO:0014558, OMIM 616268.

Submission:

Institute of Human Genetics, University of Goettingen
Classification: Uncertain significance for Autosomal dominant intellectual disability-craniofacial anomalies-cardiac defects syndrome. Last evaluated: 2022-05-20. Review status: criteria provided, single submitter. Criteria: ACMG Guidelines, 2015. Collection method: clinical testing. Allele origin: unknown. Inheritance: Autosomal dominant inheritance. Observed: 1 heterozygote.
Comment: For the following reasons, the KAT6A sequence variant found is assessed by us as a "variant of unclear significance" (VUS): a comparison with the gnomAD browser did not provide any evidence that this sequence change is a norm variant that can also be detected in non-affected individuals. The mutation is not currently listed in ClinVar or the HGMD database; the mutation is independently classified as deleterious by three (MutationTaster, M-CAP, PolyPhen-2) prediction programs; the following ACMG criteria were applied for classification: PM2.

NM_006766.5(KAT6A):c.4759T>G (p.Cys1587Gly)

Gene: KAT6A (lysine acetyltransferase 6A; minus strand). Cytogenetic location: 8p11.21.
Variant type: single nucleotide variant.
Coding change: c.4759T>G on transcript NM_006766.5 (MANE Select); coding-DNA position 4759, T replaced by G.
Protein change: p.Cys1587Gly; replaces cysteine 1587 with glycine.
Molecular consequence: missense variant.
Genome position (GRCh38, 1-based): chr8:41,933,461, A>C on the plus strand (T>G on the coding strand, the complement: KAT6A is on the minus strand). VCF-style: chr8-41933461-A-C. GRCh37 (hg19) VCF-style: chr8-41790979-A-C.
Other names: short protein forms C1587G.
Identifiers: ClinVar variation 1684574 (VCV001684574.2), dbSNP rs2150855850, ClinGen allele CA371064699.